The following is an entry in ClinVar:

NM_000059.4(BRCA2):c.7580T>C (p.Val2527Ala)

Gene: BRCA2 (BRCA2 DNA repair associated; plus strand). Cytogenetic location: 13q13.1.
Variant type: single nucleotide variant.
Coding change: c.7580T>C on transcript NM_000059.4 (MANE Select); coding-DNA position 7580, T replaced by C.
Protein change: p.Val2527Ala; replaces valine 2527 with alanine.
Molecular consequence: missense variant.
Genome position (GRCh38, 1-based): chr13:32,356,572, T>C. VCF-style: chr13-32356572-T-C. GRCh37 (hg19) VCF-style: chr13-32930709-T-C.
Other names: short protein forms V2527A.
Identifiers: ClinVar variation 142729 (VCV000142729.19), dbSNP rs587782676, ClinGen allele CA025161.

ClinVar aggregate classification (germline): Conflicting classifications of pathogenicity. Review status: criteria provided, conflicting classifications (1 of 4 stars). 6 submissions from 6 submitters: Uncertain significance (5); Likely benign (1). Last evaluated 2025-04-19.

Conditions:
Familial cancer of breast. Also called: BREAST CANCER, FAMILIAL; hereditary breast carcinoma; Hereditary breast cancer. Identifiers: Orphanet 227535, MedGen C0346153, MONDO:0016419, OMIM 114480. Disease mechanism: loss of function.
Fanconi anemia complementation group D1. Also called: BRCA2-Related Fanconi Anemia. Identifiers: Orphanet 319462, MedGen C1838457, MONDO:0011584, OMIM 605724.
Medulloblastoma (MDB). Also called: Medulloblastoma, somatic; MEDULLOBLASTOMA PREDISPOSITION SYNDROME. Identifiers: Orphanet 616, MedGen C0025149, MeSH D008527, MONDO:0007959, OMIM 155255, HP:0002885.
Breast-ovarian cancer, familial, susceptibility to, 2 (BROVCA2). Also called: BRCA2 Hereditary Breast and Ovarian Cancer. Identifiers: Orphanet 145, MedGen C2675520, MONDO:0012933, OMIM 612555. Disease mechanism: loss of function.
Wilms tumor 1 (WT1). Also called: Wilms tumor, somatic. Identifiers: Orphanet 654, MedGen CN033288, MONDO:0008679, OMIM 194070.
Glioma susceptibility 3 (GLM3). Also called: Glioblastoma 3. Identifiers: Orphanet 182067, Orphanet 360, MedGen C2751641, MONDO:0013093, OMIM 613029.
Pancreatic cancer, susceptibility to, 2. Identifiers: Orphanet 1333, MedGen C3150546, MONDO:0013235, OMIM 613347.
Familial prostate cancer. Also called: Hereditary Prostate Cancer. Identifiers: MedGen C2931456, MONDO:0700275, OMIM 176807.
Hereditary cancer-predisposing syndrome. Also called: Neoplastic Syndromes, Hereditary; Hereditary neoplastic syndrome; Hereditary Cancer Syndrome; Tumor predisposition. Identifiers: Orphanet 140162, MedGen C0027672, MeSH D009386, MONDO:0015356.
Hereditary breast ovarian cancer syndrome. Also called: Breast and ovarian cancer; Hereditary breast and/or ovarian cancer syndrome; Hereditary breast and ovarian cancer syndrome; Hereditary breast and ovarian cancer syndrome (HBOC); Hereditary breast and ovarian cancer; BRCA1- and BRCA2-Associated Hereditary Breast and Ovarian Cancer. Identifiers: Orphanet 145, MedGen C0677776, MeSH D061325, MONDO:0003582. Disease mechanism: loss of function.

Allele frequency attached by ClinVar (database versions not stated): gnomAD exomes below 0.00001.
gnomAD v4.1: 2 of 1,614,212 alleles (0.00012%); highest among the groups gnomAD compares: South Asian, 0.0011%; no homozygotes.

Submissions (6):

Foundation for Research in Genetics and Endocrinology, FRIGE's Institute of Human Genetics
Classification: Uncertain significance for Pancreatic cancer, susceptibility to, 2. Last evaluated: 2025-04-19. Review status: criteria provided, single submitter. Criteria: ACMG Guidelines, 2015. Collection method: clinical testing. Allele origin: germline. Affected: yes. Observed: 1 heterozygote.
Comment: A heterozygous missense variant in exon 15 of the BRCA2 gene that results in an amino acid substitution of Alanine for Valine at codon 2527 was detected. The observed variant c.7580T>C (p.Val2527Ala) has a MAF of 0.0001% in the gnomAD database. The in-silico predictions of this variant are possibly deleterious by LRT, SIFT and MutationTaster. It has a CADD score of 27.1 and is previously reported in the ClinVar database (VAV000142729.17). The reference codon is conserved across species. In summary, the variant meets our criteria to be classified as a variant of uncertain significance.

Labcorp Genetics (formerly Invitae), Labcorp
Classification: Uncertain significance for Hereditary breast ovarian cancer syndrome. Last evaluated: 2025-04-07. Review status: criteria provided, single submitter. Criteria: Invitae Variant Classification Sherloc (09022015). Collection method: clinical testing. Allele origin: germline.
Comment: This sequence change replaces valine, which is neutral and non-polar, with alanine, which is neutral and non-polar, at codon 2527 of the BRCA2 protein (p.Val2527Ala). This variant is not present in population databases (gnomAD no frequency). This missense change has been observed in individual(s) with clinical features of BRCA2-related conditions (PMID: 21520333). ClinVar contains an entry for this variant (Variation ID: 142729). Invitae Evidence Modeling incorporating data from in vitro experimental studies (PMID: 33609447) indicates that this missense variant is not expected to disrupt BRCA2 function with a negative predictive value of 95%. In summary, the available evidence is currently insufficient to determine the role of this variant in disease. Therefore, it has been classified as a Variant of Uncertain Significance.

Fulgent Genetics
Classification: Uncertain significance for Familial cancer of breast; Medulloblastoma; Familial prostate cancer; Wilms tumor 1; Fanconi anemia complementation group D1; Breast-ovarian cancer, familial, susceptibility to, 2; Glioma susceptibility 3; Pancreatic cancer, susceptibility to, 2. Last evaluated: 2024-04-20. Review status: criteria provided, single submitter. Criteria: ACMG Guidelines, 2015. Collection method: clinical testing. Allele origin: germline.

Ambry Genetics
Classification: Likely benign for Hereditary cancer-predisposing syndrome. Last evaluated: 2020-02-25. Review status: criteria provided, single submitter. Criteria: Ambry Variant Classification Scheme 2023. Collection method: clinical testing. Allele origin: germline.

Color Diagnostics, LLC DBA Color Health
Classification: Uncertain significance for Hereditary cancer-predisposing syndrome. Last evaluated: 2019-12-10. Review status: criteria provided, single submitter. Criteria: ACMG Guidelines, 2015. Collection method: clinical testing. Allele origin: germline.
Comment: This missense variant replaces valine with alanine at codon 2527 of the BRCA2 protein. Computational prediction is inconclusive regarding the impact of this variant on protein structure and function (internally defined REVEL score threshold 0.5 < inconclusive < 0.7, PMID: 27666373). Splice site prediction tools suggest that this variant may not impact RNA splicing. An online preprint reported this variant to be functional in a homology-mediated DNA report assay (DOI 10.1101/792754). This variant has not been reported in individuals affected with hereditary cancer in the literature. This variant has not been identified in the general population by the Genome Aggregation Database (gnomAD). The available evidence is insufficient to determine the role of this variant in disease conclusively. Therefore, this variant is classified as a Variant of Uncertain Significance.

Quest Diagnostics Nichols Institute San Juan Capistrano
Classification: Uncertain significance. Last evaluated: 2016-10-06. Review status: criteria provided, single submitter. Criteria: Quest Diagnostics criteria. Collection method: clinical testing. Allele origin: germline.

Literature cited by the submitters: PubMed 21520333 (cited by Labcorp Genetics (formerly Invitae), Labcorp); PubMed 33609447 (cited by Labcorp Genetics (formerly Invitae), Labcorp).